The following is an entry in ClinVar:

NM_000702.4(ATP1A2):c.29C>T (p.Ser10Leu)

Gene: ATP1A2 (ATPase Na+/K+ transporting subunit alpha 2; plus strand). Cytogenetic location: 1q23.2.
Variant type: single nucleotide variant.
Coding change: c.29C>T on transcript NM_000702.4 (MANE Select); coding-DNA position 29, C replaced by T.
Protein change: p.Ser10Leu; replaces serine 10 with leucine.
Molecular consequence: missense variant.
Genome position (GRCh38, 1-based): chr1:160,120,922, C>T. VCF-style: chr1-160120922-C-T. GRCh37 (hg19) VCF-style: chr1-160090712-C-T.
Other names: short protein forms S10L.
Identifiers: ClinVar variation 432321 (VCV000432321.3), dbSNP rs762611119, ClinGen allele CA1194075.

ClinVar aggregate classification (germline): Uncertain significance. Review status: criteria provided, multiple submitters, no conflicts (2 of 4 stars). 2 submissions from 2 submitters: Uncertain significance (2). Last evaluated 2025-11-19.

Conditions:
Inborn genetic diseases. Identifiers: MedGen C0950123, MeSH D030342.

Allele frequency attached by ClinVar (database versions not stated): gnomAD 0.00001; ExAC 0.00002; gnomAD exomes below 0.00001.

Submissions (2):

Ambry Genetics
Classification: Uncertain significance for Inborn genetic diseases. Last evaluated: 2025-11-19. Review status: criteria provided, single submitter. Criteria: Ambry Variant Classification Scheme 2023. Collection method: clinical testing. Allele origin: germline.
Comment: The c.29C>T (p.S10L) alteration is located in exon 2 (coding exon 2) of the ATP1A2 gene. This alteration results from a C to T substitution at nucleotide position 29, causing the serine (S) at amino acid position 10 to be replaced by a leucine (L). Based on data from gnomAD, the T allele has an overall frequency of 0.001% (2/220246) total alleles studied. The highest observed frequency was 0.002% (2/97232) of European (non-Finnish) alleles. Based on insufficient or conflicting evidence, the clinical significance of this alteration remains unclear.

GeneDx
Classification: Uncertain significance. Last evaluated: 2017-06-01. Review status: criteria provided, single submitter. Criteria: GeneDx Variant Classification (06012015). Collection method: clinical testing. Allele origin: germline. Affected: yes.
Comment: The S10L variant in the ATP1A2 gene has not been reported previously as a pathogenic variant, nor as a benign variant, to our knowledge. This variant is not observed at a significant frequency in large population cohorts (Lek et al., 2016; 1000 Genomes Consortium et al., 2015; Exome Variant Server). The S10L variant is a non-conservative amino acid substitution, which is likely to impact secondary protein structure as these residues differ in polarity, charge, size and/or other properties. In addition, this substitution occurs at a position that is conserved across mammalian species. However, in silico analysis is inconsistent in its predictions as to whether or not the variant is damaging to the protein structure/function. We interpret S10L as a variant of uncertain significance.